The following is an entry in ClinVar:

ClinVar aggregate classification (germline): Benign. Review status: criteria provided, multiple submitters, no conflicts (2 of 4 stars). 3 submissions from 3 submitters: Benign (2). 1 of the submissions does not count toward it. Last evaluated 2018-07-09.

Conditions:
ACHE-related disorder. Also called: ACHE-related condition.

Allele frequency attached by ClinVar (database versions not stated): gnomAD 0.00030 and 0.00064; TOPMed 0.00034; ESP Exome Variant Server 0.00046; gnomAD exomes 0.00130 and 0.00193; ExAC 0.00215; 1000 Genomes Project 30x 0.00265; 1000 Genomes Project 0.00319.
gnomAD v4.1: 2,010 of 1,611,756 alleles (0.12%); highest among the groups gnomAD compares: South Asian, 1.3%; 22 homozygotes.

Submissions (3):

Labcorp Genetics (formerly Invitae), Labcorp
Classification: Benign. Last evaluated: 2018-07-09. Review status: criteria provided, single submitter. Criteria: Invitae Variant Classification Sherloc (09022015). Collection method: clinical testing. Allele origin: germline.

Breakthrough Genomics
Classification: Benign. Review status: criteria provided, single submitter. Criteria: ACMG Guidelines, 2015. Collection method: not provided. Allele origin: germline. Inheritance: Unknown mechanism. Affected: yes.

PreventionGenetics, part of Exact Sciences
Classification: Likely benign for ACHE-related condition. Last evaluated: 2020-11-05. Review status: no assertion criteria provided. Collection method: clinical testing. Allele origin: germline. Not counted in ClinVar's aggregate classification.
Comment: This variant is classified as likely benign based on ACMG/AMP sequence variant interpretation guidelines (Richards et al. 2015 PMID: 25741868, with internal and published modifications).

NM_000665.5(ACHE):c.266G>A (p.Gly89Glu)

Gene: ACHE (acetylcholinesterase (Yt blood group); minus strand). Cytogenetic location: 7q22.1.
Variant type: single nucleotide variant.
Coding change: c.266G>A on transcript NM_000665.5 (MANE Select); coding-DNA position 266, G replaced by A.
Protein change: p.Gly89Glu; replaces glycine 89 with glutamic acid.
Molecular consequence: missense variant. On other transcripts: non-coding transcript variant (2).
Genome position (GRCh38, 1-based): chr7:100,893,967, C>T on the plus strand (G>A on the coding strand, the complement: ACHE is on the minus strand). VCF-style: chr7-100893967-C-T. GRCh37 (hg19) VCF-style: chr7-100491588-C-T.
Other names: NM_015831.2:c.266G>A; c.266G>A, p.Gly89Glu (NM_001282449.2, NM_001302621.3, NM_001302622.2 and 2 more transcripts); c.467G>A, p.Gly156Glu (NM_001367918.1); c.464G>A, p.Gly155Glu (NM_001367919.2); short protein forms G156E, G89E, G155E.
Identifiers: ClinVar variation 726502 (VCV000726502.6), dbSNP rs114367422, ClinGen allele CA4396575.